The following is an entry in ClinVar:

ClinVar aggregate classification (germline): Uncertain significance. Review status: criteria provided, multiple submitters, no conflicts (2 of 4 stars). 2 submissions from 2 submitters: Uncertain significance (2). Last evaluated 2025-09-24.

Conditions:
Deficiency of hyaluronoglucosaminidase (MPS9). Also called: HYALURONIDASE DEFICIENCY; MPS IX; Mucopolysaccharidosis type 9. Identifiers: Orphanet 67041, MedGen C1291490, MONDO:0011093, OMIM 601492.

gnomAD v4.1: 7 of 1,614,042 alleles (0.00043%); highest among the groups gnomAD compares: Admixed American, 0.012%; no homozygotes.

Submissions (2):

Ambry Genetics
Classification: Uncertain significance. Last evaluated: 2025-09-24. Review status: criteria provided, single submitter. Criteria: Ambry Variant Classification Scheme 2023. Collection method: clinical testing. Allele origin: germline.

Labcorp Genetics (formerly Invitae), Labcorp
Classification: Uncertain significance for Deficiency of hyaluronoglucosaminidase. Last evaluated: 2024-09-16. Review status: criteria provided, single submitter. Criteria: Invitae Variant Classification Sherloc (09022015). Collection method: clinical testing. Allele origin: germline.
Comment: This sequence change replaces arginine, which is basic and polar, with proline, which is neutral and non-polar, at codon 134 of the HYAL1 protein (p.Arg134Pro). This variant is present in population databases (no rsID available, gnomAD 0.02%). This variant has not been reported in the literature in individuals affected with HYAL1-related conditions. ClinVar contains an entry for this variant (Variation ID: 2155826). An algorithm developed to predict the effect of missense changes on protein structure and function (PolyPhen-2) suggests that this variant is likely to be disruptive. In summary, the available evidence is currently insufficient to determine the role of this variant in disease. Therefore, it has been classified as a Variant of Uncertain Significance.

NM_033159.4(HYAL1):c.401G>C (p.Arg134Pro)

Gene: HYAL1 (hyaluronidase 1; minus strand). Cytogenetic location: 3p21.31.
Variant type: single nucleotide variant.
Coding change: c.401G>C on transcript NM_033159.4 (MANE Select); coding-DNA position 401, G replaced by C.
Protein change: p.Arg134Pro; replaces arginine 134 with proline.
Molecular consequence: missense variant. On other transcripts: 5 prime UTR variant (1), non-coding transcript variant (1), intron variant (1).
Genome position (GRCh38, 1-based): chr3:50,302,556, C>G on the plus strand (G>C on the coding strand, the complement: HYAL1 is on the minus strand). VCF-style: chr3-50302556-C-G. GRCh37 (hg19) VCF-style: chr3-50339987-C-G.
Other names: c.401G>C, p.Arg134Pro (NM_007312.3, NM_153281.2, NM_153282.3); c.-146G>C (NM_153283.3); c.-26-351G>C (NM_153285.3); c.401G>C (NM_153281.1); short protein forms R134P.
Identifiers: ClinVar variation 2155826 (VCV002155826.4), dbSNP rs1402185845, ClinGen allele CA352894496.